The following is an entry in ClinVar:

ClinVar aggregate classification (germline): Pathogenic (1 of 4 stars; one submission).

Conditions:
Familial adenomatous polyposis 1 (FAP1). Also called: FAMILIAL ADENOMATOUS POLYPOSIS 1, ATTENUATED; POLYPOSIS, ADENOMATOUS INTESTINAL. Identifiers: MedGen C2713442, MONDO:0021056, OMIM 175100. Disease mechanism: loss of function.

Submission:

Labcorp Genetics (formerly Invitae), Labcorp
Classification: Pathogenic for Familial adenomatous polyposis 1. Last evaluated: 2024-10-02. Review status: criteria provided, single submitter. Criteria: Invitae Variant Classification Sherloc (09022015). Collection method: clinical testing. Allele origin: germline.
Comment: This sequence change creates a premature translational stop signal (p.Tyr1166Leufs*16) in the APC gene. While this is not anticipated to result in nonsense mediated decay, it is expected to disrupt the last 1678 amino acid(s) of the APC protein. This variant is not present in population databases (gnomAD no frequency). This variant has not been reported in the literature in individuals affected with APC-related conditions. This variant is expected to disrupt the EB1 and HDLG binding sites, which mediate interactions with the cytoskeleton (PMID: 15311282, 17293347). While functional studies have not been performed to directly test the effect on APC protein function, this suggests that disruption of the C-terminal portion of the protein is functionally important. A different truncation (p.Tyr2645Lysfs*14) that lies downstream of this variant has been determined to be pathogenic (PMID: 9824584, 1316610, 27081525, 8381579, 22135120, internal data). This suggests that deletion of this region of the APC protein is causative of disease. For these reasons, this variant has been classified as Pathogenic.

Literature cited by the submitters: PubMed 15311282; PubMed 17293347; PubMed 9824584; PubMed 1316610; PubMed 27081525; PubMed 8381579; PubMed 22135120.

NM_000038.6(APC):c.3497del (p.Tyr1166fs)

Gene: APC (APC regulator of Wnt signaling pathway; plus strand). Cytogenetic location: 5q22.2.
Variant type: Deletion.
Coding change: c.3497del on transcript NM_000038.6 (MANE Select); coding-DNA position 3497, one base deleted (A; older notation c.3497delA).
Protein change: p.Tyr1166fs; shifts the reading frame from tyrosine 1166.
Molecular consequence: frameshift variant. On other transcripts: non-coding transcript variant (2).
Genome position (GRCh38, 1-based): chr5:112,839,091, A deleted. VCF-style (leftmost placement, unchanged base first): chr5-112839090-TA-T. GRCh37 (hg19) VCF-style: chr5-112174787-TA-T.
Other names: c.3497del, p.Tyr1166fs (NM_001127510.3, NM_001354895.2, NM_001407450.1); c.3443del, p.Tyr1148fs (NM_001127511.3); c.3551del, p.Tyr1184fs (NM_001354896.2, NM_001407447.1, NM_001407448.1 and 1 more transcripts); c.3527del, p.Tyr1176fs (NM_001354897.2); c.3422del, p.Tyr1141fs (NM_001354898.2); c.3413del, p.Tyr1138fs (NM_001354899.2); c.3374del, p.Tyr1125fs (NM_001354900.2); c.3320del, p.Tyr1107fs (NM_001354901.2, NM_001407453.1); and 11 more; short protein forms Y1006fs, Y1037fs, Y1065fs, Y1107fs, Y1141fs, Y1166fs, Y1194fs, Y1083fs.
Identifiers: ClinVar variation 3722037 (VCV003722037.2).